The following is an entry in ClinVar:

NM_014927.5(CNKSR2):c.2007A>G (p.Ala669=)

Gene: CNKSR2 (connector enhancer of kinase suppressor of Ras 2; plus strand). Cytogenetic location: Xp22.12.
Variant type: single nucleotide variant.
Coding change: c.2007A>G on transcript NM_014927.5 (MANE Select); coding-DNA position 2007, A replaced by G.
Protein change: p.Ala669=; no amino-acid change (alanine 669 retained).
Molecular consequence: synonymous variant.
Genome position (GRCh38, 1-based): chrX:21,601,312, A>G. VCF-style: chrX-21601312-A-G. GRCh37 (hg19) VCF-style: chrX-21619430-A-G.
Other names: c.1917A>G, p.Ala639= (NM_001168647.3, NM_001330773.2); c.2007A>G, p.Ala669= (NM_001168648.3); c.1860A>G, p.Ala620= (NM_001168649.3, NM_001330770.2); c.1770A>G, p.Ala590= (NM_001330771.2, NM_001330772.2).
Identifiers: ClinVar variation 3052020 (VCV003052020.2), dbSNP rs2519335839, ClinGen allele CA515418506.
Genomic context (GRCh38, chrX:21,601,312, plus strand): 5'-TGTTATTGATTTTAATATTTGTTTTCTCAGGTGGCTTAACAGAATTAATATGCTGACTGC[A>G]GGATATGCAGAAAGAGAGAGGATTAAGCAGGAACAAGGTAAAGGAATACTTTTTTAAAAT-3'
Protein context (NP_055742.2, residues 659-679): RWLNRINMLT[Ala669=]GYAERERIKQ

ClinVar aggregate classification (germline): Likely benign (0 of 4 stars; one submission).

Conditions:
CNKSR2-related disorder. Also called: CNKSR2-related condition.

Submission:

PreventionGenetics, part of Exact Sciences
Classification: Likely benign for CNKSR2-related condition. Last evaluated: 2023-02-17. Review status: no assertion criteria provided. Collection method: clinical testing. Allele origin: germline.
Comment: This variant is classified as likely benign based on ACMG/AMP sequence variant interpretation guidelines (Richards et al. 2015 PMID: 25741868, with internal and published modifications).